The following is an entry in ClinVar:

NC_000011.10:g.(?_108365072)_(108365508_?)del

Gene: ATM (ATM serine/threonine kinase; plus strand). Cytogenetic location: 11q22.3.
Variant type: Deletion.
Identifiers: ClinVar variation 832322 (VCV000832322.5).

ClinVar aggregate classification (germline): Pathogenic (1 of 4 stars; one submission).

Conditions:
Ataxia-telangiectasia syndrome (AT). Also called: Ataxia-telangiectasia, complementation group E; Ataxia telangiectasia (A-T); LOUIS-BAR SYNDROME; Ataxia-telangiectasia, complementation group D; AT, COMPLEMENTATION GROUP C; Ataxia-telangiectasia. Identifiers: Orphanet 100, MedGen C0004135, MONDO:0008840, OMIM 208900.

Submission:

Labcorp Genetics (formerly Invitae), Labcorp
Classification: Pathogenic for Ataxia-telangiectasia syndrome. Last evaluated: 2022-11-04. Review status: criteria provided, single submitter. Criteria: Invitae Variant Classification Sherloc (09022015). Collection method: clinical testing. Allele origin: germline.
Comment: This variant is a gross deletion of the genomic region encompassing exon(s) 62-63 of the ATM gene, which includes the termination codon. This deletion extends beyond the assayed region for this gene and therefore may encompass additional genes. While this deletion is not anticipated to lead to nonsense mediated decay, it is expected to alter mRNA translation or result in a truncated protein product. A similar copy number variant has been observed in individual(s) with breast cancer or ataxia-telangiectasia (PMID: 9443866, 9792409, 25428789, 25614872, 26681312). This variant is also known as a deletion of exons 64-65. This variant disrupts the p.Arg3008 amino acid residue in ATM. Other variant(s) that disrupt this residue have been determined to be pathogenic (Invitae). This suggests that this residue is clinically significant, and that variants that disrupt this residue are likely to be disease-causing. For these reasons, this variant has been classified as Pathogenic.

Literature cited by the submitters: PubMed 9443866; PubMed 9792409; PubMed 25428789; PubMed 25614872; PubMed 26681312.